The following is an entry in ClinVar:

ClinVar aggregate classification (germline): Uncertain significance. Review status: criteria provided, multiple submitters, no conflicts (2 of 4 stars). 2 submissions from 2 submitters: Uncertain significance (2). Last evaluated 2026-01-22.

Allele frequency attached by ClinVar (database versions not stated): gnomAD 0.00001; gnomAD exomes 0.00006; TOPMed 0.00006; ExAC 0.00012.
gnomAD v4.1: 37 of 1,613,728 alleles (0.0023%); highest among the groups gnomAD compares: Admixed American, 0.062%; no homozygotes.

Submissions (2):

Labcorp Genetics (formerly Invitae), Labcorp
Classification: Uncertain significance. Last evaluated: 2026-01-22. Review status: criteria provided, single submitter. Criteria: Invitae Variant Classification Sherloc (09022015). Collection method: clinical testing. Allele origin: germline.
Comment: This sequence change replaces serine, which is neutral and polar, with glycine, which is neutral and non-polar, at codon 1222 of the ZDBF2 protein (p.Ser1222Gly). This variant is present in population databases (rs753428696, gnomAD 0.09%), and has an allele count higher than expected for a pathogenic variant. This variant has not been reported in the literature in individuals affected with ZDBF2-related conditions. ClinVar contains an entry for this variant (Variation ID: 2361405). An algorithm developed to predict the effect of missense changes on protein structure and function (PolyPhen-2) suggests that this variant is likely to be tolerated. In summary, the available evidence is currently insufficient to determine the role of this variant in disease. Therefore, it has been classified as a Variant of Uncertain Significance.

Ambry Genetics
Classification: Uncertain significance. Last evaluated: 2025-08-05. Review status: criteria provided, single submitter. Criteria: Ambry Variant Classification Scheme 2023. Collection method: clinical testing. Allele origin: germline.

NM_020923.3(ZDBF2):c.3664A>G (p.Ser1222Gly)

Gene: ZDBF2 (zinc finger DBF-type containing 2; plus strand). Cytogenetic location: 2q33.3.
Variant type: single nucleotide variant.
Coding change: c.3664A>G on transcript NM_020923.3 (MANE Select); coding-DNA position 3664, A replaced by G.
Protein change: p.Ser1222Gly; replaces serine 1222 with glycine.
Molecular consequence: missense variant.
Genome position (GRCh38, 1-based): chr2:206,308,192, A>G. VCF-style: chr2-206308192-A-G. GRCh37 (hg19) VCF-style: chr2-207172916-A-G.
Other names: c.3658A>G, p.Ser1220Gly (NM_001285549.2); c.3664A>G, p.Ser1222Gly (NM_001369654.1); short protein forms S1220G, S1222G.
Identifiers: ClinVar variation 2361405 (VCV002361405.4), dbSNP rs753428696, ClinGen allele CA2072189.